The following is an entry in ClinVar:

NM_001199397.3(NEK1):c.*154G>A

Gene: NEK1 (NIMA related kinase 1; minus strand). Cytogenetic location: 4q33.
Variant type: single nucleotide variant.
Coding change: c.*154G>A on transcript NM_001199397.3 (MANE Select); 154 bases downstream of the stop codon, G replaced by A.
Molecular consequence: 3 prime UTR variant. On other transcripts: non-coding transcript variant (1).
Genome position (GRCh38, 1-based): chr4:169,394,356, C>T on the plus strand (G>A on the coding strand, the complement: NEK1 is on the minus strand). VCF-style: chr4-169394356-C-T. GRCh37 (hg19) VCF-style: chr4-170315507-C-T.
Other names: c.*154G>A (NM_001199398.3, NM_001199399.3, NM_001199400.3 and 5 more transcripts).
Identifiers: ClinVar variation 348087 (VCV000348087.6), dbSNP rs139328912, ClinGen allele CA10620519.
Genomic context (GRCh38, chr4:169,394,356, plus strand): 5'-TTAACCATGGAATTCAATGAACAAAATAGATAAAATATTAGAATCTTCACTGAAAAATGG[C>T]ATGTTTCTCCATCTTTTTCATGCAATAAGAAAGTCCATCTTAAATCTGATTTTTTAAATA-3'

ClinVar aggregate classification (germline): Benign. Review status: criteria provided, multiple submitters, no conflicts (2 of 4 stars). 2 submissions from 2 submitters: Benign (2). Last evaluated 2018-01-12.

Conditions:
Short-rib thoracic dysplasia 6 with or without polydactyly (SRTD6). Also called: POLYDACTYLY WITH NEONATAL CHONDRODYSTROPHY, TYPE II; Majewski Syndrome; SHORT RIB-POLYDACTYLY SYNDROME, TYPE IIA; SHORT-RIB THORACIC DYSPLASIA 6 WITH POLYDACTYLY; SHORT-RIB THORACIC DYSPLASIA 6 WITHOUT POLYDACTYLY. Identifiers: MedGen C0024507, MONDO:0009894, OMIM 263520.

Allele frequency attached by ClinVar (database versions not stated): gnomAD 0.01356 and 0.01380; 1000 Genomes Project 0.01977; 1000 Genomes Project 30x 0.02155; TOPMed 0.02289.

Submissions (2):

Illumina Laboratory Services, Illumina
Classification: Benign for Short-rib thoracic dysplasia 6 with or without polydactyly. Last evaluated: 2018-01-12. Review status: criteria provided, single submitter. Criteria: ICSL Variant Classification Criteria 13 December 2019. Collection method: clinical testing. Allele origin: germline.
Comment: This variant was observed in the ICSL laboratory as part of a predisposition screen in an ostensibly healthy population. It had not been previously curated by ICSL or reported in the Human Gene Mutation Database (HGMD: prior to June 1st, 2018), and was therefore a candidate for classification through an automated scoring system. Utilizing variant allele frequency, disease prevalence and penetrance estimates, and inheritance mode, an automated score was calculated to assess if this variant is too frequent to cause the disease. Based on the score and internal cut-off values, a variant classified as benign is not then subjected to further curation. The score for this variant resulted in a classification of benign for this disease.

Breakthrough Genomics
Classification: Benign. Review status: criteria provided, single submitter. Criteria: ACMG Guidelines, 2015. Collection method: not provided. Allele origin: germline. Inheritance: Autosomal recessive inheritance. Affected: yes.